The following is an entry in ClinVar:

ClinVar aggregate classification (germline): Pathogenic (1 of 4 stars; one submission).

Allele frequency attached by ClinVar (database versions not stated): gnomAD exomes below 0.00001.

Submission:

Labcorp Genetics (formerly Invitae), Labcorp
Classification: Pathogenic. Last evaluated: 2022-02-28. Review status: criteria provided, single submitter. Criteria: Invitae Variant Classification Sherloc (09022015). Collection method: clinical testing. Allele origin: germline.
Comment: For these reasons, this variant has been classified as Pathogenic. Algorithms developed to predict the effect of sequence changes on RNA splicing suggest that this variant may disrupt the consensus splice site. This variant has not been reported in the literature in individuals affected with CERKL-related conditions. This variant is not present in population databases (gnomAD no frequency). This sequence change creates a premature translational stop signal (p.Lys275Metfs*10) in the CERKL gene. It is expected to result in an absent or disrupted protein product. Loss-of-function variants in CERKL are known to be pathogenic (PMID: 14681825, 23591405, 24043777).

Literature cited by the submitters: PubMed 14681825; PubMed 23591405; PubMed 24043777.

NM_201548.5(CERKL):c.744_747del (p.Lys249fs)

Gene: CERKL (CERK like autophagy regulator; minus strand). Cytogenetic location: 2q31.3.
Variant type: Deletion.
Coding change: c.744_747del on transcript NM_201548.5 (MANE Select); coding-DNA positions 744 to 747, 4 bases deleted (GAAG; older notation c.744_747delGAAG).
Protein change: p.Lys249fs; shifts the reading frame from lysine 249.
Molecular consequence: frameshift variant. On other transcripts: non-coding transcript variant (2), intron variant (2).
Genome position (GRCh38, 1-based): chr2:181,558,639-181,558,642, CTTC deleted on the plus strand (GAAG on the coding strand, the reverse complement: CERKL is on the minus strand). VCF-style (leftmost placement, unchanged base first): chr2-181558638-TCTTC-T. GRCh37 (hg19) VCF-style: chr2-182423365-TCTTC-T.
Other names: c.822_825del, p.Lys275fs (NM_001030311.3); c.*26_*29delGAAG (NM_001030314.1, NM_001030315.1); c.690_693del, p.Lys231fs (NM_001160277.2); c.482-8934_482-8931del (NM_001030312.3); c.614-8934_614-8931del (NM_001030313.3); short protein forms K249fs, K275fs, K231fs.
Identifiers: ClinVar variation 2098453 (VCV002098453.4), dbSNP rs2468317889, ClinGen allele CA2580065241.
Genomic context (GRCh38, chr2:181,558,638, plus strand): 5'-AGCCAAGTGGAAGCTGTGCTCTGACAGGAGTCAGGATTCGGTCTGTTTCCATCCCAGCAT[TCTTC>T]TGAGCTCTCAGAAGCAAAGCATGGGCTACTTCGCTAGCAGATCCATCTCCACCAACACAG-3'